The following is an entry in ClinVar:

ClinVar aggregate classification (germline): Uncertain significance (1 of 4 stars; one submission).

Conditions:
Familial adenomatous polyposis 1 (FAP1). Also called: FAMILIAL ADENOMATOUS POLYPOSIS 1, ATTENUATED; POLYPOSIS, ADENOMATOUS INTESTINAL. Identifiers: MedGen C2713442, MONDO:0021056, OMIM 175100. Disease mechanism: loss of function.

gnomAD v4.1: 1 of 1,370,656 alleles (0.000073%); highest among the groups gnomAD compares: Non-Finnish European, 0.000096%; no homozygotes.

Submission:

Labcorp Genetics (formerly Invitae), Labcorp
Classification: Uncertain significance for Familial adenomatous polyposis 1. Last evaluated: 2021-01-20. Review status: criteria provided, single submitter. Criteria: Invitae Variant Classification Sherloc (09022015). Collection method: clinical testing. Allele origin: germline.
Comment: This variant occurs in a non-coding region of the APC gene. It does not change the encoded amino acid sequence of the APC protein. The frequency data for this variant in the population databases is considered unreliable, as metrics indicate insufficient coverage at this position in the ExAC database. This variant has not been reported in the literature in individuals with APC-related conditions. Experimental studies and prediction algorithms are not available or were not evaluated, and the functional significance of this variant is currently unknown. In summary, the available evidence is currently insufficient to determine the role of this variant in disease. Therefore, it has been classified as a Variant of Uncertain Significance.

NM_001127511.3(APC):c.18C>T (p.Gly6=)

Gene: APC (APC regulator of Wnt signaling pathway; plus strand). Cytogenetic location: 5q22.2.
Variant type: single nucleotide variant.
Coding change: c.18C>T on transcript NM_001127511.3; coding-DNA position 18, C replaced by T.
Protein change: p.Gly6=; no amino-acid change (glycine 6 retained).
Molecular consequence: synonymous variant. On other transcripts: 5 prime UTR variant (8), non-coding transcript variant (1), intron variant (5).
Genome position (GRCh38, 1-based): chr5:112,707,735, C>T. VCF-style: chr5-112707735-C-T. GRCh37 (hg19) VCF-style: chr5-112043432-C-T.
Other names: c.-166C>T (NM_001354895.2, NM_001407447.1, NM_001407452.1 and 3 more transcripts); c.18C>T, p.Gly6= (NM_001354897.2, NM_001354902.2, NM_001407446.1); c.-1201C>T (NM_001407470.1, NM_001407472.1); c.-19+86C>T (NM_001407448.1, NM_001407450.1, NM_001407457.1 and 1 more transcripts); c.-43+86C>T (NM_001407453.1).
Identifiers: ClinVar variation 1503541 (VCV001503541.6), dbSNP rs2149630522, ClinGen allele CA2573138800.